The following is an entry in ClinVar:

ClinVar aggregate classification (germline): Uncertain significance (1 of 4 stars; one submission).

Conditions:
Primary ciliary dyskinesia 6. Also called: Primary Ciliary Dyskinesia 6: TXNDC3-Related Primary Ciliary Dyskinesia. Identifiers: Orphanet 244, MedGen C1970506, MONDO:0012571, OMIM 610852.

gnomAD v4.1: 7 of 1,605,306 alleles (0.00044%); highest among the groups gnomAD compares: Non-Finnish European, 0.0006%; no homozygotes.

Submission:

Labcorp Genetics (formerly Invitae), Labcorp
Classification: Uncertain significance for Primary ciliary dyskinesia 6. Last evaluated: 2023-06-22. Review status: criteria provided, single submitter. Criteria: Invitae Variant Classification Sherloc (09022015). Collection method: clinical testing. Allele origin: germline.
Comment: This sequence change replaces aspartic acid, which is acidic and polar, with tyrosine, which is neutral and polar, at codon 33 of the NME8 protein (p.Asp33Tyr). This variant is not present in population databases (gnomAD no frequency). This variant has not been reported in the literature in individuals affected with NME8-related conditions. Advanced modeling of protein sequence and biophysical properties (such as structural, functional, and spatial information, amino acid conservation, physicochemical variation, residue mobility, and thermodynamic stability) performed at Invitae indicates that this missense variant is expected to disrupt NME8 protein function. Algorithms developed to predict the effect of sequence changes on RNA splicing suggest that this variant may disrupt the consensus splice site. In summary, the available evidence is currently insufficient to determine the role of this variant in disease. Therefore, it has been classified as a Variant of Uncertain Significance.

NM_016616.5(NME8):c.97G>T (p.Asp33Tyr)

Gene: NME8 (NME/NM23 family member 8; plus strand). Cytogenetic location: 7p14.1.
Variant type: single nucleotide variant.
Coding change: c.97G>T on transcript NM_016616.5 (MANE Select); coding-DNA position 97, G replaced by T.
Protein change: p.Asp33Tyr; replaces aspartic acid 33 with tyrosine.
Molecular consequence: missense variant.
Genome position (GRCh38, 1-based): chr7:37,850,634, G>T. VCF-style: chr7-37850634-G-T. GRCh37 (hg19) VCF-style: chr7-37890236-G-T.
Other names: short protein forms D33Y.
Identifiers: ClinVar variation 2875106 (VCV002875106.3), dbSNP rs1314343023, ClinGen allele CA367219250.